The following is an entry in ClinVar:

NM_006734.4(HIVEP2):c.7163A>G (p.Asp2388Gly)

Gene: HIVEP2 (HIVEP zinc finger 2; minus strand). Cytogenetic location: 6q24.2.
Variant type: single nucleotide variant.
Coding change: c.7163A>G on transcript NM_006734.4 (MANE Select); coding-DNA position 7163, A replaced by G.
Protein change: p.Asp2388Gly; replaces aspartic acid 2388 with glycine.
Molecular consequence: missense variant.
Genome position (GRCh38, 1-based): chr6:142,753,285, T>C on the plus strand (A>G on the coding strand, the complement: HIVEP2 is on the minus strand). VCF-style: chr6-142753285-T-C. GRCh37 (hg19) VCF-style: chr6-143074422-T-C.
Other names: short protein forms D2388G.
Identifiers: ClinVar variation 3671160 (VCV003671160.2).
Genomic context (GRCh38, chr6:142,753,285, plus strand): 5'-GTGGAGTGAGCTAATGGAGTCTGTGATGTACCAAAATTGTCCTTTTCACCATCATGCAAG[T>C]CAGGGTGGGTGGCTGAGGTACAGGGCTGACCTGGCTCAGGTCTACTAAAGTGTCTAATGC-3'
Protein context (NP_006725.3, residues 2378-2398): GQPCTSATHP[Asp2388Gly]LHDGEKDNFG

ClinVar aggregate classification (germline): Uncertain significance (1 of 4 stars; one submission).

gnomAD v4.1: 1 of 1,614,020 alleles (0.000062%); highest among the groups gnomAD compares: Non-Finnish European, 0.000085%; no homozygotes.

Submission:

Labcorp Genetics (formerly Invitae), Labcorp
Classification: Uncertain significance. Last evaluated: 2024-01-28. Review status: criteria provided, single submitter. Criteria: Invitae Variant Classification Sherloc (09022015). Collection method: clinical testing. Allele origin: germline.
Comment: This sequence change replaces aspartic acid, which is acidic and polar, with glycine, which is neutral and non-polar, at codon 2388 of the HIVEP2 protein (p.Asp2388Gly). This variant is not present in population databases (gnomAD no frequency). This variant has not been reported in the literature in individuals affected with HIVEP2-related conditions. An algorithm developed to predict the effect of missense changes on protein structure and function (PolyPhen-2) suggests that this variant is likely to be disruptive. In summary, the available evidence is currently insufficient to determine the role of this variant in disease. Therefore, it has been classified as a Variant of Uncertain Significance.